The following is an entry in ClinVar:

ClinVar aggregate classification (germline): Uncertain significance (1 of 4 stars; one submission).

Conditions:
Familial thoracic aortic aneurysm and aortic dissection (TAAD). Also called: Thoracic aortic aneurysms and dissections. Identifiers: Orphanet 91387, MedGen C4707243, MONDO:0019625.

Submission:

Labcorp Genetics (formerly Invitae), Labcorp
Classification: Uncertain significance for Familial thoracic aortic aneurysm and aortic dissection. Last evaluated: 2024-07-10. Review status: criteria provided, single submitter. Criteria: Invitae Variant Classification Sherloc (09022015). Collection method: clinical testing. Allele origin: germline.
Comment: This sequence change replaces alanine, which is neutral and non-polar, with valine, which is neutral and non-polar, at codon 25 of the TGFBR1 protein (p.Ala25Val). The frequency data for this variant in the population databases is considered unreliable, as metrics indicate insufficient coverage at this position in the gnomAD database. This variant has not been reported in the literature in individuals affected with TGFBR1-related conditions. Advanced modeling of protein sequence and biophysical properties (such as structural, functional, and spatial information, amino acid conservation, physicochemical variation, residue mobility, and thermodynamic stability) performed at Invitae indicates that this missense variant is not expected to disrupt TGFBR1 protein function with a negative predictive value of 95%. In summary, the available evidence is currently insufficient to determine the role of this variant in disease. Therefore, it has been classified as a Variant of Uncertain Significance.

NM_004612.4(TGFBR1):c.74C>T (p.Ala25Val)

Gene: TGFBR1 (transforming growth factor beta receptor 1; plus strand). Cytogenetic location: 9q22.33.
Variant type: single nucleotide variant.
Coding change: c.74C>T on transcript NM_004612.4 (MANE Select); coding-DNA position 74, C replaced by T.
Protein change: p.Ala25Val; replaces alanine 25 with valine.
Molecular consequence: missense variant. On other transcripts: 5 prime UTR variant (5), non-coding transcript variant (4), intron variant (8).
Genome position (GRCh38, 1-based): chr9:99,105,279, C>T. VCF-style: chr9-99105279-C-T. GRCh37 (hg19) VCF-style: chr9-101867561-C-T.
Other names: c.74C>T, p.Ala25Val (NM_001130916.3, NM_001306210.2, NM_001407416.1 and 5 more transcripts); c.-270C>T (NM_001407420.1, NM_001407429.1); c.-239C>T (NM_001407422.1, NM_001407426.1); c.-194C>T (NM_001407428.1); c.-111+1538C>T (NM_001407418.1, NM_001407423.1); c.-111+1173C>T (NM_001407424.1); c.-111+760C>T (NM_001407425.1); c.-111+553C>T (NM_001407434.1); and 2 more; short protein forms A25V.
Identifiers: ClinVar variation 3704117 (VCV003704117.2).
Genomic context (GRCh38, chr9:99,105,279, plus strand): 5'-TCGCTGCTCCGCGTCCCCGGCTGCTCCTCCTCGTGCTGGCGGCGGCGGCGGCGGCGGCGG[C>T]GGCGCTGCTCCCGGGGGCGACGGGTGAGCGGCGGCGCGGCGGGCGGGCGACTGCGGGGCG-3'
Protein context (NP_004603.1, residues 15-35): LVLAAAAAAA[Ala25Val]ALLPGATALQ